The following is an entry in ClinVar:

NM_002180.3(IGHMBP2):c.1890C>G (p.Phe630Leu)

Gene: IGHMBP2 (immunoglobulin mu DNA binding protein 2; plus strand). Cytogenetic location: 11q13.3.
Variant type: single nucleotide variant.
Coding change: c.1890C>G on transcript NM_002180.3 (MANE Select); coding-DNA position 1890, C replaced by G.
Protein change: p.Phe630Leu; replaces phenylalanine 630 with leucine.
Molecular consequence: missense variant.
Genome position (GRCh38, 1-based): chr11:68,936,370, C>G. VCF-style: chr11-68936370-C-G. GRCh37 (hg19) VCF-style: chr11-68703838-C-G.
Other names: short protein forms F630L.
Identifiers: ClinVar variation 1915823 (VCV001915823.5), dbSNP rs1480529038, ClinGen allele CA381651880.

ClinVar aggregate classification (germline): Uncertain significance (1 of 4 stars; one submission).

Conditions:
Autosomal recessive distal spinal muscular atrophy 1. Also called: SEVERE INFANTILE AXONAL NEUROPATHY WITH RESPIRATORY FAILURE; SPINAL MUSCULAR ATROPHY, DIAPHRAGMATIC; Spinal muscular atrophy with respiratory distress 1; HMN VI; NEURONOPATHY, SEVERE INFANTILE AXONAL, WITH RESPIRATORY FAILURE; NEURONOPATHY, DISTAL HEREDITARY MOTOR, HARDING TYPE VI. Identifiers: Orphanet 98920, MedGen C1858517, MONDO:0011436, OMIM 604320.
Charcot-Marie-Tooth disease axonal type 2S. Also called: CHARCOT-MARIE-TOOTH NEUROPATHY, TYPE 2S; CHARCOT-MARIE-TOOTH DISEASE, AXONAL, AUTOSOMAL RECESSIVE, TYPE 2S. Identifiers: Orphanet 443073, MedGen C4015349, MONDO:0014511, OMIM 616155.

Allele frequency attached by ClinVar (database versions not stated): gnomAD exomes below 0.00001; TOPMed below 0.00001.
gnomAD v4.1: 1 of 1,614,212 alleles (0.000062%); highest among the groups gnomAD compares: Non-Finnish European, 0.000085%; no homozygotes.

Submission:

Labcorp Genetics (formerly Invitae), Labcorp
Classification: Uncertain significance for Autosomal recessive distal spinal muscular atrophy 1; Charcot-Marie-Tooth disease axonal type 2S. Last evaluated: 2022-06-06. Review status: criteria provided, single submitter. Criteria: Invitae Variant Classification Sherloc (09022015). Collection method: clinical testing. Allele origin: germline.
Comment: In summary, the available evidence is currently insufficient to determine the role of this variant in disease. Therefore, it has been classified as a Variant of Uncertain Significance. Advanced modeling of protein sequence and biophysical properties (such as structural, functional, and spatial information, amino acid conservation, physicochemical variation, residue mobility, and thermodynamic stability) performed at Invitae indicates that this missense variant is not expected to disrupt IGHMBP2 protein function. This variant has not been reported in the literature in individuals affected with IGHMBP2-related conditions. This variant is not present in population databases (gnomAD no frequency). This sequence change replaces phenylalanine, which is neutral and non-polar, with leucine, which is neutral and non-polar, at codon 630 of the IGHMBP2 protein (p.Phe630Leu).